The following is an entry in ClinVar:

ClinVar aggregate classification (germline): Conflicting classifications of pathogenicity. Review status: criteria provided, conflicting classifications (1 of 4 stars). 9 submissions from 9 submitters: Uncertain significance (6); Likely benign (2). 1 of the submissions does not count toward it. Last evaluated 2026-03-31.

Conditions:
COL1A2-related disorder. Also called: COL1A2-Related Disorders; COL1A2-related condition.
Osteogenesis imperfecta with normal sclerae, dominant form (OI4). Also called: OSTEOGENESIS IMPERFECTA, TYPE IV, WITH DENTINOGENESIS IMPERFECTA; Osteogenesis Imperfecta Type IV; Common Variable Osteogenesis Imperfecta with Normal Sclerae; OSTEOGENESIS IMPERFECTA WITH NORMAL SCLERAE; Osteogenesis imperfecta type 4. Identifiers: Orphanet 216820, Orphanet 666, MedGen C0268363, MONDO:0008148, OMIM 166220.
Ehlers-Danlos syndrome, arthrochalasia type, 2. Also called: EHLERS-DANLOS SYNDROME, TYPE VIIB, AUTOSOMAL DOMINANT. Identifiers: MedGen CN293783, MONDO:0040501, OMIM 617821.
Ehlers-Danlos syndrome, cardiac valvular type. Identifiers: Orphanet 230851, MedGen C4303789, MONDO:0009159, OMIM 225320.
Osteoporosis. Identifiers: MedGen C0029456, MONDO:0005298, OMIM 166710, HP:0000939.
Osteogenesis imperfecta, perinatal lethal (OI2). Also called: Osteogenesis imperfecta, dominant perinatal lethal; OI, TYPE II; OSTEOGENESIS IMPERFECTA CONGENITA; Osteogenesis imperfecta type 2; OSTEOGENESIS IMPERFECTA, TYPE II; VROLIK TYPE OF OSTEOGENESIS IMPERFECTA. Identifiers: Orphanet 216804, MedGen C0268358, MONDO:0008147, OMIM 166210.
Osteogenesis imperfecta type III (OI3). Also called: Osteogenesis imperfecta type 3; OI type 3; Osteogenesis imperfecta, progressively deforming with normal sclerae; OI type III; Progressively Deforming Osteogenesis Imperfecta. Identifiers: Orphanet 216812, Orphanet 666, MedGen C0268362, MONDO:0009804, OMIM 259420.
Combined osteogenesis imperfecta and Ehlers-Danlos syndrome 2. Also called: OIEDS SYNDROME 2. Identifiers: MedGen C5436847, MONDO:0030855, OMIM 619120.
Osteogenesis imperfecta type I (OI1). Also called: Lobstein disease; Classic Non-deforming Osteogenesis Imperfecta with Blue Sclerae; OI, TYPE I; OSTEOGENESIS IMPERFECTA TARDA; OSTEOGENESIS IMPERFECTA WITH BLUE SCLERAE; Lobstein's Disease. Identifiers: Orphanet 216796, Orphanet 666, MedGen C0023931, MONDO:0008146, OMIM 166200. Disease mechanism: loss of function.
Ehlers-Danlos syndrome, classic type, 1 (EDSCL1). Also called: Ehlers-Danlos syndrome, type 1; Ehlers-Danlos Syndrome, Classic Type, COL5A1-Related; EDS I; EHLERS-DANLOS SYNDROME, GRAVIS TYPE; EHLERS-DANLOS SYNDROME, SEVERE CLASSIC TYPE. Identifiers: MedGen C0268335, MONDO:0019567, OMIM 130000.
Cardiovascular phenotype. Identifiers: MedGen CN230736.

Allele frequency attached by ClinVar (database versions not stated): ExAC 0.00007; gnomAD 0.00007; TOPMed 0.00007; gnomAD exomes 0.00008 and 0.00009; ESP Exome Variant Server 0.00038.
gnomAD v4.1: 145 of 1,613,740 alleles (0.009%); highest among the groups gnomAD compares: Non-Finnish European, 0.012%; no homozygotes.

Submissions (9):

Women's Health and Genetics/Laboratory Corporation of America, LabCorp
Classification: Uncertain significance. Last evaluated: 2026-03-31. Review status: criteria provided, single submitter. Criteria: LabCorp Variant Classification Summary - May 2015. Collection method: clinical testing. Allele origin: germline.
Comment: Variant summary: COL1A2 c.2309C>T (p.Pro770Leu) results in a non-conservative amino acid change in the encoded protein sequence. Algorithms developed to predict the effect of missense changes on protein structure and function all suggest that this variant is likely to be disruptive. The variant allele was found at a frequency of 8.4e-05 in 251406 control chromosomes. This frequency is not significantly higher than estimated for disease-causing variants in COL1A2, allowing no conclusion about variant significance. To our knowledge, no occurrence of c.2309C>T in individuals affected with COL1A2-related conditions and no experimental evidence demonstrating its impact on protein function have been reported. ClinVar contains an entry for this variant (Variation ID: 810133). Based on the evidence outlined above, the variant was classified as uncertain significance.

CeGaT Center for Human Genetics Tuebingen
Classification: Uncertain significance. Last evaluated: 2026-03-01. Review status: criteria provided, single submitter. Criteria: CeGaT Center For Human Genetics Tuebingen Variant Classification Criteria Version 2. Collection method: clinical testing. Allele origin: germline. Affected: yes. Observed: 3 variant alleles.
Comment: COL1A2: PM2

Labcorp Genetics (formerly Invitae), Labcorp
Classification: Uncertain significance for Osteogenesis imperfecta type I; Ehlers-Danlos syndrome, classic type, 1. Last evaluated: 2026-01-27. Review status: criteria provided, single submitter. Criteria: Invitae Variant Classification Sherloc (09022015). Collection method: clinical testing. Allele origin: germline.
Comment: This sequence change replaces proline, which is neutral and non-polar, with leucine, which is neutral and non-polar, at codon 770 of the COL1A2 protein (p.Pro770Leu). This variant is present in population databases (rs149858889, gnomAD 0.02%). This variant has not been reported in the literature in individuals affected with COL1A2-related conditions. ClinVar contains an entry for this variant (Variation ID: 810133). Invitae Evidence Modeling of protein sequence and biophysical properties (such as structural, functional, and spatial information, amino acid conservation, physicochemical variation, residue mobility, and thermodynamic stability) indicates that this missense variant is not expected to disrupt COL1A2 protein function with a negative predictive value of 95%. In summary, the available evidence is currently insufficient to determine the role of this variant in disease. Therefore, it has been classified as a Variant of Uncertain Significance.

GeneDx
Classification: Uncertain significance. Last evaluated: 2025-06-04. Review status: criteria provided, single submitter. Criteria: GeneDx Variant Classification Process June 2021. Collection method: clinical testing. Allele origin: germline.
Comment: Occurs in the triple helical domain at the X position in the canonical Gly-X-Y repeat; although this variant may have an effect on normal protein folding and function, missense substitution at the X position is not a common mechanism of disease (HGMD); In silico analysis supports that this missense variant does not alter protein structure/function; Has not been previously published as pathogenic or benign to our knowledge; This variant is associated with the following publications: (PMID: 26264438)

Ambry Genetics
Classification: Uncertain significance for Cardiovascular phenotype. Last evaluated: 2025-05-28. Review status: criteria provided, single submitter. Criteria: Ambry Variant Classification Scheme 2023. Collection method: clinical testing. Allele origin: germline.
Comment: The p.P770L variant (also known as c.2309C>T), located in coding exon 38 of the COL1A2 gene, results from a C to T substitution at nucleotide position 2309. The proline at codon 770 is replaced by leucine, an amino acid with similar properties. This amino acid position is not well conserved in available vertebrate species. In addition, the in silico prediction for this alteration is inconclusive. Based on the available evidence, the clinical significance of this variant remains unclear.

Blueprint Genetics
Classification: Likely benign. Last evaluated: 2024-11-26. Review status: criteria provided, single submitter. Criteria: ACMG Guidelines, 2015. Collection method: clinical testing. Allele origin: germline.

Fulgent Genetics
Classification: Uncertain significance for Osteogenesis imperfecta, perinatal lethal; Osteogenesis imperfecta with normal sclerae, dominant form; Osteoporosis; Ehlers-Danlos syndrome, cardiac valvular type; Osteogenesis imperfecta type III; Ehlers-Danlos syndrome, arthrochalasia type, 2; Combined osteogenesis imperfecta and Ehlers-Danlos syndrome 2. Last evaluated: 2024-05-07. Review status: criteria provided, single submitter. Criteria: ACMG Guidelines, 2015. Collection method: clinical testing. Allele origin: germline.

Mayo Clinic Laboratories, Mayo Clinic
Classification: Likely benign. Last evaluated: 2022-08-08. Review status: criteria provided, single submitter. Criteria: ACMG Guidelines, 2015. Collection method: clinical testing. Allele origin: germline. Observed: 3 variant alleles.
Comment: BS1

PreventionGenetics, part of Exact Sciences
Classification: Uncertain significance for COL1A2-related condition. Last evaluated: 2024-01-08. Review status: no assertion criteria provided. Collection method: clinical testing. Allele origin: germline. Not counted in ClinVar's aggregate classification.
Comment: The COL1A2 c.2309C>T variant is predicted to result in the amino acid substitution p.Pro770Leu. This variant was reported as a no statistical significant variant (P value =0.0336) in a case control study of glioma risk (reported as rs149858889 in Table 3, Kinnersley. 2016. PubMed ID: 26264438). This variant is reported in 0.015% of alleles in individuals of European (Non-Finnish) descent in gnomAD. At this time, the clinical significance of this variant is uncertain due to the absence of conclusive functional and genetic evidence.

Literature cited by the submitters: PubMed 26264438 (cited by Ambry Genetics).

NM_000089.4(COL1A2):c.2309C>T (p.Pro770Leu)

Gene: COL1A2 (collagen type I alpha 2 chain; plus strand). Cytogenetic location: 7q21.3.
Variant type: single nucleotide variant.
Coding change: c.2309C>T on transcript NM_000089.4 (MANE Select); coding-DNA position 2309, C replaced by T.
Protein change: p.Pro770Leu; replaces proline 770 with leucine.
Molecular consequence: missense variant.
Genome position (GRCh38, 1-based): chr7:94,421,022, C>T. VCF-style: chr7-94421022-C-T. GRCh37 (hg19) VCF-style: chr7-94050334-C-T.
Other names: p.Pro770Leu; short protein forms P770L.
Identifiers: ClinVar variation 810133 (VCV000810133.60), dbSNP rs149858889, ClinGen allele CA4347385.